The following is an entry in ClinVar:

ClinVar aggregate classification (germline): Uncertain significance (1 of 4 stars; one submission).

Conditions:
Duchenne muscular dystrophy (DMD). Also called: MUSCULAR DYSTROPHY, PSEUDOHYPERTROPHIC PROGRESSIVE, DUCHENNE TYPE; Duchenne Muscular Dystrophy (DMD). Identifiers: Orphanet 98896, MedGen C0013264, MONDO:0010679, OMIM 310200.

Submission:

Labcorp Genetics (formerly Invitae), Labcorp
Classification: Uncertain significance for Duchenne muscular dystrophy. Last evaluated: 2022-02-10. Review status: criteria provided, single submitter. Criteria: Invitae Variant Classification Sherloc (09022015). Collection method: clinical testing. Allele origin: germline.
Comment: This sequence change replaces histidine, which is basic and polar, with glutamine, which is neutral and polar, at codon 273 of the DMD protein (p.His273Gln). This variant is not present in population databases (gnomAD no frequency). This variant has not been reported in the literature in individuals affected with DMD-related conditions. Algorithms developed to predict the effect of missense changes on protein structure and function are either unavailable or do not agree on the potential impact of this missense change (SIFT: "Tolerated"; PolyPhen-2: "Possibly Damaging"; Align-GVGD: "Class C0"). Algorithms developed to predict the effect of sequence changes on RNA splicing suggest that this variant may create or strengthen a splice site. In summary, the available evidence is currently insufficient to determine the role of this variant in disease. Therefore, it has been classified as a Variant of Uncertain Significance.

NM_004006.3(DMD):c.819C>G (p.His273Gln)

Gene: DMD (dystrophin; minus strand). Cytogenetic location: Xp21.1.
Variant type: single nucleotide variant.
Coding change: c.819C>G on transcript NM_004006.3 (MANE Select); coding-DNA position 819, C replaced by G.
Protein change: p.His273Gln; replaces histidine 273 with glutamine.
Molecular consequence: missense variant.
Genome position (GRCh38, 1-based): chrX:32,699,124, G>C on the plus strand (C>G on the coding strand, the complement: DMD is on the minus strand). VCF-style: chrX-32699124-G-C. GRCh37 (hg19) VCF-style: chrX-32717241-G-C.
Other names: c.795C>G, p.His265Gln (NM_000109.4); c.807C>G, p.His269Gln (NM_004009.3); c.450C>G, p.His150Gln (NM_004010.3); short protein forms H150Q, H269Q, H273Q, H265Q.
Identifiers: ClinVar variation 2191396 (VCV002191396.1), dbSNP rs2521181091, ClinGen allele CA412668806.